The following is an entry in ClinVar:

NM_016729.3(FOLR1):c.562C>G (p.Leu188Val)

Genes: FOLR1 (folate receptor alpha; plus strand), FOLR1-AS1 (FOLR1 antisense RNA 1; minus strand). Cytogenetic location: 11q13.4.
Variant type: single nucleotide variant.
Coding change: c.562C>G on transcript NM_016729.3 (MANE Select); coding-DNA position 562, C replaced by G.
Protein change: p.Leu188Val; replaces leucine 188 with valine.
Molecular consequence: missense variant.
Genome position (GRCh38, 1-based): chr11:72,195,965, C>G. VCF-style: chr11-72195965-C-G. GRCh37 (hg19) VCF-style: chr11-71907009-C-G.
Other names: c.562C>G, p.Leu188Val (NM_000802.3, NM_016724.3, NM_016725.3); c.562C>G (NM_016725.2); short protein forms L188V.
Identifiers: ClinVar variation 3340095 (VCV003340095.6).

ClinVar aggregate classification (germline): Conflicting classifications of pathogenicity. Review status: criteria provided, conflicting classifications (1 of 4 stars). 5 submissions from 5 submitters: Pathogenic (1); Likely pathogenic (1); Uncertain significance (3). Last evaluated 2025-07-16.

Conditions:
FOLR1-related disorder. Also called: FOLR1-related condition.
Cerebral folate transport deficiency. Also called: FOLR1-Related Cerebral Folate Transport Deficiency; Neurodegenerative syndrome due to cerebral folate transport deficiency; FOLATE RECEPTOR DEFICIENCY; NEURODEGENERATION DUE TO CEREBRAL FOLATE TRANSPORT DEFICIENCY; Cerebral folate deficiency syndrome. Identifiers: Orphanet 217382, MedGen C2751584, MONDO:0013110, OMIM 613068. Disease mechanism: loss of function.

gnomAD v4.1: 2 of 1,614,192 alleles (0.00012%); highest among the groups gnomAD compares: African/African-American, 0.0027%; no homozygotes.

Submissions (5):

GeneDx
Classification: Uncertain significance. Last evaluated: 2025-07-16. Review status: criteria provided, single submitter. Criteria: GeneDx Variant Classification Process June 2021. Collection method: clinical testing. Allele origin: germline. Affected: yes.
Comment: Not observed at significant frequency in large population cohorts (gnomAD); In silico analysis suggests that this missense variant does not alter protein structure/function; This variant is associated with the following publications: (PMID: 27378809)

Women's Health and Genetics/Laboratory Corporation of America, LabCorp
Classification: Uncertain significance. Last evaluated: 2025-03-03. Review status: criteria provided, single submitter. Criteria: LabCorp Variant Classification Summary - May 2015. Collection method: clinical testing. Allele origin: germline.
Comment: Variant summary: FOLR1 c.562C>G (p.Leu188Val) results in a conservative amino acid change in the encoded protein sequence. Four of five in-silico tools predict a damaging effect of the variant on protein function. The variant allele was found at a frequency of 8e-06 in 251468 control chromosomes. c.562C>G has been reported in the literature in at least one homozygous individual affected with Cerebral folate transport deficiency (Nicolai_2016). These data indicate that the variant may be associated with disease. To our knowledge, no experimental evidence demonstrating an impact on protein function has been reported. The following publication has been ascertained in the context of this evaluation (PMID: 27378809). ClinVar contains an entry for this variant (Variation ID: 3340095). Based on the evidence outlined above, the variant was classified as VUS-possibly pathogenic.

Center of Human Genetics, Hôpital Erasme
Classification: Pathogenic for Cerebral folate transport deficiency. Last evaluated: 2025-01-01. Review status: criteria provided, single submitter. Criteria: ACMG Guidelines, 2015. Collection method: clinical testing. Allele origin: inherited. Affected: yes.

Blueprint Genetics
Classification: Likely pathogenic for FOLR1-related disorders. Last evaluated: 2024-10-21. Review status: criteria provided, single submitter. Criteria: ACMG Guidelines, 2015. Collection method: clinical testing. Allele origin: germline. Affected: yes. Observed: 5 variant alleles.

Centre de Recherche et de Formation en Génétique Médicale et en Neurosciences, Université des Sciences, des Techniques et des Technologies de Bamako
Classification: Uncertain significance for Cerebral folate transport deficiency. Last evaluated: 2024-08-26. Review status: criteria provided, single submitter. Criteria: ACMG Guidelines, 2015. Collection method: research. Allele origin: germline. Inheritance: Autosomal recessive inheritance. Affected: yes. Observed: 1 homozygote.
Comment: MetaRNN = 0.853 is between 0.841 and 0.939 ⇒ moderate pathogenic. Variant not found in gnomAD genomes, good gnomAD genomes coverage = 33.2.GnomAD exomes homozygous allele count = 0 is less than 2 for AR gene FOLR1, good gnomAD exomes coverage = 96.6.

Literature cited by the submitters: PubMed 27378809 (cited by Women's Health and Genetics/Laboratory Corporation of America, LabCorp).